The following is an entry in ClinVar:

NM_000548.5(TSC2):c.3267G>A (p.Gln1089=)

Gene: TSC2 (TSC complex subunit 2; plus strand). Cytogenetic location: 16p13.3.
Variant type: single nucleotide variant.
Coding change: c.3267G>A on transcript NM_000548.5 (MANE Select); coding-DNA position 3267, G replaced by A.
Protein change: p.Gln1089=; no amino-acid change (glutamine 1089 retained).
Molecular consequence: synonymous variant.
Genome position (GRCh38, 1-based): chr16:2,079,411, G>A. VCF-style: chr16-2079411-G-A. GRCh37 (hg19) VCF-style: chr16-2129412-G-A.
Other names: c.3135G>A, p.Gln1045= (NM_001077183.3, NM_001370404.1); c.3267G>A, p.Gln1089= (NM_001114382.3); c.3027G>A, p.Gln1009= (NM_001318827.2); c.2991G>A, p.Gln997= (NM_001318829.2); c.2535G>A, p.Gln845= (NM_001318831.2); c.3168G>A, p.Gln1056= (NM_001318832.2); c.3138G>A, p.Gln1046= (NM_001363528.2, NM_001370405.1, NM_021055.3).
Identifiers: ClinVar variation 514906 (VCV000514906.8), dbSNP rs1555510717, ClinGen allele CA493042959.
Genomic context (GRCh38, chr16:2,079,411, plus strand): 5'-GACGACAAGCGTGGGAACCGGGACCCGGTCGTTACTAGGCCTGGACTCGGGGGAGCTGCA[G>A]TCCGGCCCGGAGTCGAGGTGACTGCACCTTCCTTTCCTCCGCGCCTGCCAGCCTCGACAC-3'
Protein context (NP_000539.2, residues 1079-1099): SLLGLDSGEL[Gln1089=]SGPESSSSPG

ClinVar aggregate classification (germline): Benign/Likely benign. Review status: criteria provided, multiple submitters, no conflicts (2 of 4 stars). 5 submissions from 5 submitters: Benign (1); Likely benign (4). Last evaluated 2025-05-28.

Conditions:
Hereditary cancer-predisposing syndrome. Also called: Neoplastic Syndromes, Hereditary; Tumor predisposition; Hereditary Cancer Syndrome; Hereditary neoplastic syndrome. Identifiers: Orphanet 140162, MedGen C0027672, MeSH D009386, MONDO:0015356.
Tuberous sclerosis syndrome (TSC). Also called: Tuberous Sclerosis Complex; Tuberous sclerosis. Identifiers: Orphanet 805, MedGen C0041341, MONDO:0001734.
Tuberous sclerosis 2 (TSC2). Identifiers: Orphanet 805, MedGen C1860707, MONDO:0013199, OMIM 613254.

Submissions (5):

Myriad Genetics, Inc.
Classification: Benign for Tuberous sclerosis 2. Last evaluated: 2025-05-28. Review status: criteria provided, single submitter. Criteria: Myriad Autosomal Dominant, Autosomal Recessive and X-Linked Classification Criteria (2023). Collection method: clinical testing. Allele origin: unknown.
Comment: This variant is considered benign. This variant is a silent/synonymous amino acid change and it is not expected to impact splicing.

All of Us Research Program, National Institutes of Health
Classification: Likely benign for Tuberous sclerosis syndrome. Last evaluated: 2023-11-20. Review status: criteria provided, single submitter. Criteria: ACMG Guidelines, 2015. Collection method: clinical testing. Allele origin: germline. Inheritance: Autosomal dominant inheritance. Observed: 1 variant allele, 1 heterozygote.
Comment: This study involves interpretation of variants in research participants for the purpose of population health screening. Participant phenotype was not available at the time of variant classification. Additional details can be found in publication PMID: 35346344, PMCID: PMC8962531

Labcorp Genetics (formerly Invitae), Labcorp
Classification: Likely benign for Tuberous sclerosis 2. Last evaluated: 2023-10-23. Review status: criteria provided, single submitter. Criteria: Invitae Variant Classification Sherloc (09022015). Collection method: clinical testing. Allele origin: germline.

Ambry Genetics
Classification: Likely benign for Hereditary cancer-predisposing syndrome. Last evaluated: 2021-08-18. Review status: criteria provided, single submitter. Criteria: Ambry Variant Classification Scheme 2023. Collection method: clinical testing. Allele origin: germline.

GeneDx
Classification: Likely benign. Last evaluated: 2018-01-15. Review status: criteria provided, single submitter. Criteria: GeneDx Variant Classification (06012015). Collection method: clinical testing. Allele origin: germline. Affected: yes.
Comment: This variant is considered likely benign or benign based on one or more of the following criteria: it is a conservative change, it occurs at a poorly conserved position in the protein, it is predicted to be benign by multiple in silico algorithms, and/or has population frequency not consistent with disease.